The following is an entry in ClinVar:

NM_001083116.3(PRF1):c.*139C>A

Gene: PRF1 (perforin 1; minus strand). Cytogenetic location: 10q22.1.
Variant type: single nucleotide variant.
Coding change: c.*139C>A on transcript NM_001083116.3 (MANE Select); 139 bases downstream of the stop codon, C replaced by A.
Molecular consequence: 3 prime UTR variant.
Genome position (GRCh38, 1-based): chr10:70,597,914, G>T on the plus strand (C>A on the coding strand, the complement: PRF1 is on the minus strand). VCF-style: chr10-70597914-G-T. GRCh37 (hg19) VCF-style: chr10-72357670-G-T.
Other names: c.*139C>A (NM_005041.6).
Identifiers: ClinVar variation 300322 (VCV000300322.6), dbSNP rs56743633, ClinGen allele CA10628762.

ClinVar aggregate classification (germline): Benign. Review status: criteria provided, multiple submitters, no conflicts (2 of 4 stars). 2 submissions from 2 submitters: Benign (2). Last evaluated 2018-01-13.

Conditions:
Familial hemophagocytic lymphohistiocytosis 2 (FHL2). Also called: PRF1-Related Familial Hemophagocytic Lymphohistiocytosis (PRF1-fHLH). Identifiers: Orphanet 540, MedGen C1863727, MONDO:0011337, OMIM 603553.

Allele frequency attached by ClinVar (database versions not stated): 1000 Genomes Project 0.02196; 1000 Genomes Project 30x 0.02342.

Submissions (2):

Illumina Laboratory Services, Illumina
Classification: Benign for Familial hemophagocytic lymphohistiocytosis 2. Last evaluated: 2018-01-13. Review status: criteria provided, single submitter. Criteria: ICSL Variant Classification Criteria 13 December 2019. Collection method: clinical testing. Allele origin: germline.
Comment: This variant was observed in the ICSL laboratory as part of a predisposition screen in an ostensibly healthy population. It had not been previously curated by ICSL or reported in the Human Gene Mutation Database (HGMD: prior to June 1st, 2018), and was therefore a candidate for classification through an automated scoring system. Utilizing variant allele frequency, disease prevalence and penetrance estimates, and inheritance mode, an automated score was calculated to assess if this variant is too frequent to cause the disease. Based on the score and internal cut-off values, a variant classified as benign is not then subjected to further curation. The score for this variant resulted in a classification of benign for this disease.

Breakthrough Genomics
Classification: Benign. Review status: criteria provided, single submitter. Criteria: ACMG Guidelines, 2015. Collection method: not provided. Allele origin: germline. Inheritance: Autosomal recessive inheritance. Affected: yes.